The following is an entry in ClinVar:

ClinVar aggregate classification (germline): Uncertain significance (1 of 4 stars; one submission).

Conditions:
Aortic aneurysm, familial thoracic 4 (AAT4). Also called: AORTIC ANEURYSM/AORTIC DISSECTION AND PATENT DUCTUS ARTERIOSUS. Identifiers: MedGen C1851504, MONDO:0007568, OMIM 132900.

gnomAD v4.1: 1 of 1,614,268 alleles (0.000062%); no homozygotes.

Submission:

Labcorp Genetics (formerly Invitae), Labcorp
Classification: Uncertain significance for Aortic aneurysm, familial thoracic 4. Last evaluated: 2022-08-05. Review status: criteria provided, single submitter. Criteria: Invitae Variant Classification Sherloc (09022015). Collection method: clinical testing. Allele origin: germline.
Comment: In summary, the available evidence is currently insufficient to determine the role of this variant in disease. Therefore, it has been classified as a Variant of Uncertain Significance. Algorithms developed to predict the effect of missense changes on protein structure and function (SIFT, PolyPhen-2, Align-GVGD) all suggest that this variant is likely to be disruptive. This variant has not been reported in the literature in individuals affected with MYH11-related conditions. This variant is not present in population databases (gnomAD no frequency). This sequence change replaces glutamic acid, which is acidic and polar, with alanine, which is neutral and non-polar, at codon 1220 of the MYH11 protein (p.Glu1220Ala).

NM_002474.3(MYH11):c.3638A>C (p.Glu1213Ala)

Gene: MYH11 (myosin heavy chain 11; minus strand). Cytogenetic location: 16p13.11.
Variant type: single nucleotide variant.
Coding change: c.3638A>C on transcript NM_002474.3 (MANE Select); coding-DNA position 3638, A replaced by C.
Protein change: p.Glu1213Ala; replaces glutamic acid 1213 with alanine.
Molecular consequence: missense variant.
Genome position (GRCh38, 1-based): chr16:15,732,577, T>G on the plus strand (A>C on the coding strand, the complement: MYH11 is on the minus strand). VCF-style: chr16-15732577-T-G. GRCh37 (hg19) VCF-style: chr16-15826434-T-G.
Other names: c.3659A>C, p.Glu1220Ala (NM_001040113.2, NM_001040114.2); c.3638A>C, p.Glu1213Ala (NM_022844.3); short protein forms E1220A, E1213A.
Identifiers: ClinVar variation 2042093 (VCV002042093.4), dbSNP rs2506170271, ClinGen allele CA394860999.